The following is an entry in ClinVar:

ClinVar aggregate classification (germline): Uncertain significance. Review status: criteria provided, multiple submitters, no conflicts (2 of 4 stars). 2 submissions from 2 submitters: Uncertain significance (2). Last evaluated 2024-08-19.

Conditions:
Peroxisome biogenesis disorder 7A (Zellweger). Also called: Peroxisome biogenesis disorder 7A. Identifiers: Orphanet 912, MedGen C3888385, MONDO:0013938, OMIM 614872.
Peroxisome biogenesis disorder 7B (PBD7B). Identifiers: Orphanet 44, MedGen C3553951, MONDO:0013939, OMIM 614873.
Inborn genetic diseases. Identifiers: MedGen C0950123, MeSH D030342.

Allele frequency attached by ClinVar (database versions not stated): gnomAD exomes below 0.00001; TOPMed below 0.00001.
gnomAD v4.1: 1 of 1,574,386 alleles (0.000064%); highest among the groups gnomAD compares: East Asian, 0.0023%; no homozygotes.

Submissions (2):

Labcorp Genetics (formerly Invitae), Labcorp
Classification: Uncertain significance for Peroxisome biogenesis disorder 7A (Zellweger); Peroxisome biogenesis disorder 7B. Last evaluated: 2024-08-19. Review status: criteria provided, single submitter. Criteria: Invitae Variant Classification Sherloc (09022015). Collection method: clinical testing. Allele origin: germline.
Comment: This sequence change replaces aspartic acid, which is acidic and polar, with glycine, which is neutral and non-polar, at codon 36 of the PEX26 protein (p.Asp36Gly). This variant is not present in population databases (gnomAD no frequency). This variant has not been reported in the literature in individuals affected with PEX26-related conditions. ClinVar contains an entry for this variant (Variation ID: 1966230). Invitae Evidence Modeling of protein sequence and biophysical properties (such as structural, functional, and spatial information, amino acid conservation, physicochemical variation, residue mobility, and thermodynamic stability) indicates that this missense variant is not expected to disrupt PEX26 protein function with a negative predictive value of 80%. In summary, the available evidence is currently insufficient to determine the role of this variant in disease. Therefore, it has been classified as a Variant of Uncertain Significance.

Ambry Genetics
Classification: Uncertain significance for Inborn genetic diseases. Last evaluated: 2021-04-20. Review status: criteria provided, single submitter. Criteria: Ambry Variant Classification Scheme 2023. Collection method: clinical testing. Allele origin: germline.

NM_001127649.3(PEX26):c.107A>G (p.Asp36Gly)

Gene: PEX26 (peroxisomal biogenesis factor 26; plus strand). Cytogenetic location: 22q11.21.
Variant type: single nucleotide variant.
Coding change: c.107A>G on transcript NM_001127649.3 (MANE Select); coding-DNA position 107, A replaced by G.
Protein change: p.Asp36Gly; replaces aspartic acid 36 with glycine.
Molecular consequence: missense variant.
Genome position (GRCh38, 1-based): chr22:18,078,483, A>G. VCF-style: chr22-18078483-A-G. GRCh37 (hg19) VCF-style: chr22-18561249-A-G.
Other names: c.107A>G, p.Asp36Gly (NM_001199319.2, NM_017929.6); short protein forms D36G.
Identifiers: ClinVar variation 1966230 (VCV001966230.5), dbSNP rs1926396744, ClinGen allele CA410264574.
Genomic context (GRCh38, chr22:18,078,483, plus strand): 5'-GGGGACCCCTGCGCAGCAGCGAGCCGGTGCGCGCGGTCCCGGCCCGGGCGCCGGCCGTGG[A>G]CCTTCTGGAGGAGGCGGCCGACCTCCTGGTGGTGCACCTGGACTTCCGGGCGGCGCTGGA-3'
Protein context (NP_001121121.1, residues 26-46): RAVPARAPAV[Asp36Gly]LLEEAADLLV